The following is an entry in ClinVar:

NM_130468.4(CHST14):c.941G>A (p.Arg314Gln)

Gene: CHST14 (carbohydrate sulfotransferase 14; plus strand). Cytogenetic location: 15q15.1.
Variant type: single nucleotide variant.
Coding change: c.941G>A on transcript NM_130468.4 (MANE Select); coding-DNA position 941, G replaced by A.
Protein change: p.Arg314Gln; replaces arginine 314 with glutamine.
Molecular consequence: missense variant.
Genome position (GRCh38, 1-based): chr15:40,472,154, G>A. VCF-style: chr15-40472154-G-A. GRCh37 (hg19) VCF-style: chr15-40764353-G-A.
Other names: c.941G>A (NM_130468.3); short protein forms R314Q.
Identifiers: ClinVar variation 287372 (VCV000287372.13), dbSNP rs556002453, ClinGen allele CA7481671.

ClinVar aggregate classification (germline): Conflicting classifications of pathogenicity. Review status: criteria provided, conflicting classifications (1 of 4 stars). 6 submissions from 6 submitters: Uncertain significance (3); Likely benign (1). 2 of the submissions do not count toward it. Last evaluated 2024-09-05.

Conditions:
Cardiovascular phenotype. Identifiers: MedGen CN230736.
Ehlers-Danlos syndrome, musculocontractural type (EDSMC). Also called: DUNDAR SYNDROME; ADDUCTED THUMB-CLUBFOOT SYNDROME; ARTHROGRYPOSIS, DISTAL, WITH PECULIAR FACIES AND HYDRONEPHROSIS; Adducted thumb, clubfoot, progressive joint and skin laxity syndrome. Identifiers: Orphanet 2953, MedGen C1866294, MONDO:0011142.

Allele frequency attached by ClinVar (database versions not stated): ExAC 0.00001; TOPMed 0.00001; gnomAD 0.00002 and 0.00003; gnomAD exomes 0.00002; 1000 Genomes Project 0.00020; 1000 Genomes Project 30x 0.00031.
gnomAD v4.1: 42 of 1,614,104 alleles (0.0026%); highest among the groups gnomAD compares: Middle Eastern, 0.033%; no homozygotes.

Submissions (6):

Ambry Genetics
Classification: Likely benign for Cardiovascular phenotype. Last evaluated: 2024-09-05. Review status: criteria provided, single submitter. Criteria: Ambry Variant Classification Scheme 2023. Collection method: clinical testing. Allele origin: germline.

Labcorp Genetics (formerly Invitae), Labcorp
Classification: Uncertain significance for Ehlers-Danlos syndrome, musculocontractural type. Last evaluated: 2022-07-14. Review status: criteria provided, single submitter. Criteria: Invitae Variant Classification Sherloc (09022015). Collection method: clinical testing. Allele origin: germline.
Comment: In summary, the available evidence is currently insufficient to determine the role of this variant in disease. Therefore, it has been classified as a Variant of Uncertain Significance. Algorithms developed to predict the effect of missense changes on protein structure and function output the following: SIFT: "Tolerated"; PolyPhen-2: "Benign"; Align-GVGD: "Class C0". The glutamine amino acid residue is found in multiple mammalian species, which suggests that this missense change does not adversely affect protein function. ClinVar contains an entry for this variant (Variation ID: 287372). This variant has not been reported in the literature in individuals affected with CHST14-related conditions. This variant is present in population databases (rs556002453, gnomAD 0.009%). This sequence change replaces arginine, which is basic and polar, with glutamine, which is neutral and polar, at codon 314 of the CHST14 protein (p.Arg314Gln).

Knight Diagnostic Laboratories, Oregon Health and Sciences University
Classification: Uncertain significance for Ehlers-Danlos syndrome, musculocontractural type 1. Last evaluated: 2019-10-09. Review status: criteria provided, single submitter. Criteria: ACMG Guidelines, 2015. Collection method: clinical testing. Allele origin: germline. Observed: 1 variant allele.

Eurofins Ntd Llc (ga)
Classification: Uncertain significance. Last evaluated: 2016-04-20. Review status: criteria provided, single submitter. Criteria: EGL Classification Definitions 2015. Collection method: clinical testing. Allele origin: germline. Observed: 1 variant allele, 1 heterozygote.

Genome Diagnostics Laboratory, Amsterdam University Medical Center
Classification: Likely benign. Review status: no assertion criteria provided. Collection method: clinical testing. Allele origin: germline. Affected: yes. Study: VKGL Data-share Consensus. Not counted in ClinVar's aggregate classification.

Laboratory of Diagnostic Genome Analysis, Leiden University Medical Center (LUMC)
Classification: Likely benign. Review status: no assertion criteria provided. Collection method: clinical testing. Allele origin: germline. Affected: yes. Study: VKGL Data-share Consensus. Not counted in ClinVar's aggregate classification.